The following is an entry in ClinVar:

ClinVar aggregate classification (germline): Pathogenic (1 of 4 stars; one submission).

Conditions:
Autosomal recessive distal spinal muscular atrophy 1. Also called: HMN VI; NEURONOPATHY, SEVERE INFANTILE AXONAL, WITH RESPIRATORY FAILURE; SEVERE INFANTILE AXONAL NEUROPATHY WITH RESPIRATORY FAILURE; SPINAL MUSCULAR ATROPHY, DIAPHRAGMATIC; Spinal muscular atrophy with respiratory distress 1; NEURONOPATHY, DISTAL HEREDITARY MOTOR, HARDING TYPE VI. Identifiers: Orphanet 98920, MedGen C1858517, MONDO:0011436, OMIM 604320.
Charcot-Marie-Tooth disease axonal type 2S. Also called: CHARCOT-MARIE-TOOTH DISEASE, AXONAL, AUTOSOMAL RECESSIVE, TYPE 2S; CHARCOT-MARIE-TOOTH NEUROPATHY, TYPE 2S. Identifiers: Orphanet 443073, MedGen C4015349, MONDO:0014511, OMIM 616155.

Submission:

Labcorp Genetics (formerly Invitae), Labcorp
Classification: Pathogenic for Autosomal recessive distal spinal muscular atrophy 1; Charcot-Marie-Tooth disease axonal type 2S. Last evaluated: 2023-02-10. Review status: criteria provided, single submitter. Criteria: Invitae Variant Classification Sherloc (09022015). Collection method: clinical testing. Allele origin: unknown.
Comment: This variant is a gross deletion of the genomic region encompassing exon(s) 11-15 of the IGHMBP2 gene, which includes the termination codon. This deletion extends beyond the assayed region for this gene and therefore may encompass additional genes. While this deletion is not anticipated to lead to nonsense mediated decay, it is expected to alter mRNA translation or result in a truncated protein product. This variant has not been reported in the literature in individuals affected with IGHMBP2-related conditions. This variant disrupts a region of the IGHMBP2 protein in which other variant(s) (p.Arg971Glufs*4) have been determined to be pathogenic (PMID: 15269181, 25439726, 25568292, 26392352; Invitae). This suggests that this is a clinically significant region of the protein, and that variants that disrupt it are likely to be disease-causing. For these reasons, this variant has been classified as Pathogenic.

Literature cited by the submitters: PubMed 15269181; PubMed 25439726; PubMed 25568292; PubMed 26392352.

NC_000011.9:g.(?_68701912)_(68707199_?)del

Gene: IGHMBP2 (immunoglobulin mu DNA binding protein 2; plus strand). Cytogenetic location: 11q13.3.
Variant type: Deletion.
Identifiers: ClinVar variation 3244644 (VCV003244644.1).